The following is an entry in ClinVar:

ClinVar aggregate classification (germline): Conflicting classifications of pathogenicity. Review status: criteria provided, conflicting classifications (1 of 4 stars). 4 submissions from 4 submitters: Uncertain significance (1); Likely benign (2). 1 of the submissions does not count toward it. Last evaluated 2025-11-19.

Conditions:
Cerebellar ataxia, impaired intellectual development, and dysequilibrium syndrome 1. Also called: Cerebellar hypoplasia and mental retardation with or without quadrupedal locomotion 1; Cerebellar ataxia, mental retardation, and dysequilibrium syndrome 1; Cerebellar ataxia, intellectual disability, and dysequilibrium syndrome 1; VLDLR Cerebellar Hypoplasia; CEREBELLAR ATAXIA AND MENTAL RETARDATION WITH OR WITHOUT QUADRUPEDAL LOCOMOTION 1; CEREBELLAR ATAXIA, CONGENITAL, AND MENTAL RETARDATION, AUTOSOMAL RECESSIVE. Identifiers: Orphanet 1766, MedGen C4551552, MONDO:0024542, OMIM 224050.
VLDLR-related disorder. Also called: VLDLR-related condition.

Allele frequency attached by ClinVar (database versions not stated): ExAC 0.00006; gnomAD exomes 0.00008 and 0.00016; TOPMed 0.00013; 1000 Genomes Project 30x 0.00031; ESP Exome Variant Server 0.00015; gnomAD 0.00018; 1000 Genomes Project 0.00020.
gnomAD v4.1: 251 of 1,613,746 alleles (0.016%); highest among the groups gnomAD compares: Non-Finnish European, 0.019%; no homozygotes.

Submissions (4):

Labcorp Genetics (formerly Invitae), Labcorp
Classification: Likely benign. Last evaluated: 2025-11-19. Review status: criteria provided, single submitter. Criteria: Invitae Variant Classification Sherloc (09022015). Collection method: clinical testing. Allele origin: germline.

CeGaT Center for Human Genetics Tuebingen
Classification: Likely benign. Last evaluated: 2024-11-01. Review status: criteria provided, single submitter. Criteria: CeGaT Center For Human Genetics Tuebingen Variant Classification Criteria Version 2. Collection method: clinical testing. Allele origin: germline. Affected: yes. Observed: 1 variant allele.
Comment: VLDLR: BP4, BP7

Illumina Laboratory Services, Illumina
Classification: Uncertain significance for Cerebellar ataxia, impaired intellectual development, and dysequilibrium syndrome 1. Last evaluated: 2018-01-12. Review status: criteria provided, single submitter. Criteria: ICSL Variant Classification Criteria 13 December 2019. Collection method: clinical testing. Allele origin: germline.

PreventionGenetics, part of Exact Sciences
Classification: Likely benign for VLDLR-related condition. Last evaluated: 2024-08-12. Review status: no assertion criteria provided. Collection method: clinical testing. Allele origin: germline. Not counted in ClinVar's aggregate classification.
Comment: This variant is classified as likely benign based on ACMG/AMP sequence variant interpretation guidelines (Richards et al. 2015 PMID: 25741868, with internal and published modifications).

NM_003383.5(VLDLR):c.582C>T (p.Gly194=)

Gene: VLDLR (very low density lipoprotein receptor; plus strand). Cytogenetic location: 9p24.2.
Variant type: single nucleotide variant.
Coding change: c.582C>T on transcript NM_003383.5 (MANE Select); coding-DNA position 582, C replaced by T.
Protein change: p.Gly194=; no amino-acid change (glycine 194 retained).
Molecular consequence: synonymous variant.
Genome position (GRCh38, 1-based): chr9:2,643,293, C>T. VCF-style: chr9-2643293-C-T. GRCh37 (hg19) VCF-style: chr9-2643293-C-T.
Other names: c.582C>T, p.Gly194= (NM_001018056.3); c.459C>T, p.Gly153= (NM_001322225.2, NM_001322226.2).
Identifiers: ClinVar variation 366363 (VCV000366363.27), dbSNP rs148012674, ClinGen allele CA4964573.
Genomic context (GRCh38, chr9:2,643,293, plus strand): 5'-TGGCCAGGATGACTGCAGCGATGGCAGTGATGAGCTGGACTGTGCCCCGCCAACCTGTGG[C>T]GCCCATGAGTTCCAGTGCAGCACCTCCTCCTGCATCCCCATCAGCTGGGTATGCGACGAT-3'
Protein context (NP_003374.3, residues 184-204): DELDCAPPTC[Gly194=]AHEFQCSTSS